The following is an entry in ClinVar:

ClinVar aggregate classification (germline): Likely pathogenic (1 of 4 stars; one submission).

Conditions:
Ichthyosis and erythrokeratoderma.

Submission:

Genetics Laboratory, Great Ormond Street Hospital NHS Foundation Trust, North Thames Genomic Laboratory Hub
Classification: Likely pathogenic for Ichthyosis and erythrokeratoderma. Last evaluated: 2026-06-11. Review status: criteria provided, single submitter. Criteria: ACGS Best Practice Guidelines for Variant Classification in Rare Disease 2024 v1.2. Collection method: clinical testing. Allele origin: germline. Affected: yes.
Comment: PM2_moderate, PM5_supporting, PM4_moderate, PM3_supporting

NM_000359.3(TGM1):c.670_678del (p.Val224_Thr226del)

Gene: TGM1 (transglutaminase 1; minus strand). Cytogenetic location: 14q12.
Variant type: Deletion.
Coding change: c.670_678del on transcript NM_000359.3 (MANE Select); coding-DNA positions 670 to 678, 9 bases deleted (GTCCGCACA; older notation c.670_678delGTCCGCACA).
Protein change: p.Val224_Thr226del.
Molecular consequence: inframe deletion.
Genome position (GRCh38, 1-based): chr14:24,260,529-24,260,537, TGTGCGGAC deleted on the plus strand (GTCCGCACA on the coding strand, the reverse complement: TGM1 is on the minus strand); deleting any 9 consecutive bases within chr14:24,260,529-24,260,541 gives the same sequence; the c. name uses the placement nearest the transcript's 3' end. VCF-style (leftmost placement, unchanged base first): chr14-24260528-GTGTGCGGAC-G. GRCh37 (hg19) VCF-style: chr14-24729734-GTGTGCGGAC-G.
Identifiers: ClinVar variation 4884297 (VCV004884297.1).